The following is an entry in ClinVar:

ClinVar aggregate classification (germline): Conflicting classifications of pathogenicity. Review status: criteria provided, conflicting classifications (1 of 4 stars). 2 submissions from 2 submitters: Uncertain significance (1); Likely benign (1). Last evaluated 2023-03-23.

Conditions:
Hereditary cancer-predisposing syndrome. Also called: Hereditary Cancer Syndrome; Neoplastic Syndromes, Hereditary; Tumor predisposition; Hereditary neoplastic syndrome. Identifiers: Orphanet 140162, MedGen C0027672, MeSH D009386, MONDO:0015356.

Submissions (2):

University of Washington Department of Laboratory Medicine, University of Washington
Classification: Likely benign for Hereditary cancer-predisposing syndrome. Last evaluated: 2023-03-23. Review status: criteria provided, single submitter. Criteria: Dines et al. (Genet Med. 2020). Collection method: curation. Allele origin: germline.
Comment: Missense variant in a coldspot region where missense variants are very unlikely to be pathogenic (PMID:31911673).

BRCA2 exon 11 coldspot. Reclassification based on statistical prior probability.

Ambry Genetics
Classification: Uncertain significance for Hereditary cancer-predisposing syndrome. Last evaluated: 2022-01-26. Review status: criteria provided, single submitter. Criteria: Ambry Variant Classification Scheme 2023. Collection method: clinical testing. Allele origin: germline.
Comment: The p.V1643E variant (also known as c.4928T>A), located in coding exon 10 of the BRCA2 gene, results from a T to A substitution at nucleotide position 4928. The valine at codon 1643 is replaced by glutamic acid, an amino acid with dissimilar properties. This amino acid position is conserved. In addition, this alteration is predicted to be tolerated by in silico analysis. Since supporting evidence is limited at this time, the clinical significance of this alteration remains unclear.

NM_000059.4(BRCA2):c.4928T>A (p.Val1643Glu)

Gene: BRCA2 (BRCA2 DNA repair associated; plus strand). Cytogenetic location: 13q13.1.
Variant type: single nucleotide variant.
Coding change: c.4928T>A on transcript NM_000059.4 (MANE Select); coding-DNA position 4928, T replaced by A.
Protein change: p.Val1643Glu; replaces valine 1643 with glutamic acid.
Molecular consequence: missense variant.
Genome position (GRCh38, 1-based): chr13:32,339,283, T>A. VCF-style: chr13-32339283-T-A. GRCh37 (hg19) VCF-style: chr13-32913420-T-A.
Other names: c.4928T>A, p.Val1643Glu (NM_001406719.1, NM_001406720.1); short protein forms V1643E.
Identifiers: ClinVar variation 1744164 (VCV001744164.4), dbSNP rs28897731, ClinGen allele CA387783650.